The following is an entry in ClinVar:

NM_001148.6(ANK2):c.4618G>T (p.Ala1540Ser)

Gene: ANK2 (ankyrin 2; plus strand). Cytogenetic location: 4q26.
Variant type: single nucleotide variant.
Coding change: c.4618G>T on transcript NM_001148.6 (MANE Select); coding-DNA position 4618, G replaced by T.
Protein change: p.Ala1540Ser; replaces alanine 1540 with serine.
Molecular consequence: missense variant. On other transcripts: intron variant (68).
Genome position (GRCh38, 1-based): chr4:113,353,236, G>T. VCF-style: chr4-113353236-G-T. GRCh37 (hg19) VCF-style: chr4-114274392-G-T.
Other names: c.4384G>T, p.Ala1462Ser (NM_001386142.1); c.1018G>T, p.Ala340Ser (NM_001386166.1); c.4759G>T, p.Ala1587Ser (NM_001386174.1); c.4735G>T, p.Ala1579Ser (NM_001386175.1); c.4411+2987G>T (NM_001386186.2, NM_001386148.2); c.4213+2987G>T (NM_001354269.3); c.4291+2987G>T (NM_001386187.2); c.4252+2987G>T (NM_001386147.1); and 35 more; short protein forms A1540S, A1462S, A1579S, A1587S, A340S.
Identifiers: ClinVar variation 347322 (VCV000347322.14), dbSNP rs767390750, ClinGen allele CA3051126.

ClinVar aggregate classification (germline): Conflicting classifications of pathogenicity. Review status: criteria provided, conflicting classifications (1 of 4 stars). 3 submissions from 3 submitters: Uncertain significance (2); Likely benign (1). Last evaluated 2024-04-18.

Conditions:
Cardiovascular phenotype. Identifiers: MedGen CN230736.
Long QT syndrome (LQTS). Identifiers: MedGen C0023976, MeSH D008133, MONDO:0002442. Disease mechanism: loss of function. Inheritance: Various modes of inheritance.
Cardiac arrhythmia, ankyrin-B-related. Also called: ANKYRIN-B SYNDROME. Identifiers: Orphanet 101016, Orphanet 768, MedGen C1970119, MONDO:0010958, OMIM 600919.

Allele frequency attached by ClinVar (database versions not stated): TOPMed 0.00001.
gnomAD v4.1: 5 of 1,613,944 alleles (0.00031%); highest among the groups gnomAD compares: Non-Finnish European, 0.00042%; no homozygotes.

Submissions (3):

Ambry Genetics
Classification: Likely benign for Cardiovascular phenotype. Last evaluated: 2024-04-18. Review status: criteria provided, single submitter. Criteria: Ambry Variant Classification Scheme 2023. Collection method: clinical testing. Allele origin: germline.

Labcorp Genetics (formerly Invitae), Labcorp
Classification: Uncertain significance for Long QT syndrome. Last evaluated: 2022-12-16. Review status: criteria provided, single submitter. Criteria: Invitae Variant Classification Sherloc (09022015). Collection method: clinical testing. Allele origin: germline.
Comment: In summary, the available evidence is currently insufficient to determine the role of this variant in disease. Therefore, it has been classified as a Variant of Uncertain Significance. Algorithms developed to predict the effect of missense changes on protein structure and function (SIFT, PolyPhen-2, Align-GVGD) all suggest that this variant is likely to be tolerated. ClinVar contains an entry for this variant (Variation ID: 347322). This variant has not been reported in the literature in individuals affected with ANK2-related conditions. This variant is not present in population databases (gnomAD no frequency). This sequence change replaces alanine, which is neutral and non-polar, with serine, which is neutral and polar, at codon 1540 of the ANK2 protein (p.Ala1540Ser).

Illumina Laboratory Services, Illumina
Classification: Uncertain significance for Cardiac arrhythmia, ankyrin-B-related. Last evaluated: 2018-01-12. Review status: criteria provided, single submitter. Criteria: ICSL Variant Classification Criteria 13 December 2019. Collection method: clinical testing. Allele origin: germline.